The following is an entry in ClinVar:

NM_152269.5(MTRFR):c.496C>T (p.His166Tyr)

Gene: MTRFR (mitochondrial translation release factor in rescue; plus strand). Cytogenetic location: 12q24.31.
Variant type: single nucleotide variant.
Coding change: c.496C>T on transcript NM_152269.5 (MANE Select); coding-DNA position 496, C replaced by T.
Protein change: p.His166Tyr; replaces histidine 166 with tyrosine.
Molecular consequence: missense variant.
Genome position (GRCh38, 1-based): chr12:123,257,026, C>T. VCF-style: chr12-123257026-C-T. GRCh37 (hg19) VCF-style: chr12-123741573-C-T.
Other names: c.496C>T, p.His166Tyr (NM_001143905.2, NM_001194995.1); short protein forms H166Y.
Identifiers: ClinVar variation 3768774 (VCV003768774.2).
Genomic context (GRCh38, chr12:123,257,026, plus strand): 5'-AAGGAAACCCTGGAAAAAAAGAAGCTACTTAAAGAACTGTGGGAGTCAAGTAAAAAGGTC[C>T]ACTGAGAAAAGAATTAGAGATTCCAACTGACAGAATCTGCCAGAAGCTCCCAGGGAATAA-3'
Protein context (NP_689482.1, residues 156-166): KELWESSKKV[His166Tyr]

ClinVar aggregate classification (germline): Uncertain significance. Review status: criteria provided, multiple submitters, no conflicts (2 of 4 stars). 2 submissions from 2 submitters: Uncertain significance (2). Last evaluated 2025-02-04.

Submissions (2):

Women's Health and Genetics/Laboratory Corporation of America, LabCorp
Classification: Uncertain significance. Last evaluated: 2025-02-04. Review status: criteria provided, single submitter. Criteria: LabCorp Variant Classification Summary - May 2015. Collection method: clinical testing. Allele origin: germline.
Comment: Variant summary: MTRFR c.496C>T (p.His166Tyr) results in a conservative amino acid change in the encoded protein sequence. Five of five in-silico tools predict a benign effect of the variant on protein function. The variant was absent in 1610300 control chromosomes. The available data on variant occurrences in the general population are insufficient to allow any conclusion about variant significance. To our knowledge, no occurrence of c.496C>T in individuals affected with Combined oxidative phosphorylation defect type 7 and no experimental evidence demonstrating its impact on protein function have been reported. No submitters have cited clinical-significance assessments for this variant to ClinVar. Based on the evidence outlined above, the variant was classified as uncertain significance.

Blueprint Genetics
Classification: Uncertain significance. Last evaluated: 2023-10-27. Review status: criteria provided, single submitter. Criteria: ACMG Guidelines, 2015. Collection method: clinical testing. Allele origin: germline.